The following is an entry in ClinVar:

NM_001128178.3(NPHP1):c.523-2A>C

Gene: NPHP1 (nephrocystin 1; minus strand). Cytogenetic location: 2q13.
Variant type: single nucleotide variant.
Coding change: c.523-2A>C on transcript NM_001128178.3 (MANE Select); the canonical splice acceptor site of the intron before coding-DNA position 523, A replaced by C.
Molecular consequence: splice acceptor variant.
Genome position (GRCh38, 1-based): chr2:110,168,555, T>G on the plus strand (A>C on the coding strand, the complement: NPHP1 is on the minus strand). VCF-style: chr2-110168555-T-G. GRCh37 (hg19) VCF-style: chr2-110926132-T-G.
Other names: c.337-2A>C (NM_001128179.3); c.523-2A>C (NM_001374256.1, NM_001374257.1, NM_207181.4 and 1 more transcripts).
Identifiers: ClinVar variation 2121917 (VCV002121917.4), dbSNP rs2467395269, ClinGen allele CA348092767.
Genomic context (GRCh38, chr2:110,168,555, plus strand): 5'-TCCTTAGCTATCCACCAACCATCAGGTTTTTTTTCAATTACAAGGAGAATTTCCCCTTTC[T>G]TAAAGCAAAACAAAGTAAACCATTTTAAATAAAATTCAATAATCATGAGTATATGTCAAT-3'

ClinVar aggregate classification (germline): Likely pathogenic (1 of 4 stars; one submission).

Conditions:
Nephronophthisis. Also called: Juvenile Nephronophthisis. Identifiers: Orphanet 655, MedGen C0687120, MONDO:0019005, HP:0000090.

Submission:

Labcorp Genetics (formerly Invitae), Labcorp
Classification: Likely pathogenic for Nephronophthisis. Last evaluated: 2022-11-01. Review status: criteria provided, single submitter. Criteria: Invitae Variant Classification Sherloc (09022015). Collection method: clinical testing. Allele origin: germline.
Comment: In summary, the currently available evidence indicates that the variant is pathogenic, but additional data are needed to prove that conclusively. Therefore, this variant has been classified as Likely Pathogenic. Algorithms developed to predict the effect of sequence changes on RNA splicing suggest that this variant may disrupt the consensus splice site. This variant has not been reported in the literature in individuals affected with NPHP1-related conditions. This variant is not present in population databases (gnomAD no frequency). This sequence change affects an acceptor splice site in intron 5 of the NPHP1 gene. It is expected to disrupt RNA splicing. Variants that disrupt the donor or acceptor splice site typically lead to a loss of protein function (PMID: 16199547), and loss-of-function variants in NPHP1 are known to be pathogenic (PMID: 23559409).

Literature cited by the submitters: PubMed 16199547; PubMed 23559409.